The following is an entry in ClinVar:

NM_000152.5(GAA):c.681C>T (p.Asp227=)

Gene: GAA (alpha glucosidase; plus strand). Cytogenetic location: 17q25.3.
Variant type: single nucleotide variant.
Coding change: c.681C>T on transcript NM_000152.5 (MANE Select); coding-DNA position 681, C replaced by T.
Protein change: p.Asp227=; no amino-acid change (aspartic acid 227 retained).
Molecular consequence: synonymous variant.
Genome position (GRCh38, 1-based): chr17:80,105,883, C>T. VCF-style: chr17-80105883-C-T. GRCh37 (hg19) VCF-style: chr17-78079682-C-T.
Other names: c.681C>T, p.Asp227= (NM_001079803.3, NM_001079804.3).
Identifiers: ClinVar variation 1140594 (VCV001140594.46), dbSNP rs780515378, ClinGen allele CA8814960.

ClinVar aggregate classification (germline): Likely benign. Review status: criteria provided, multiple submitters, no conflicts (2 of 4 stars). 4 submissions from 4 submitters: Likely benign (4). Last evaluated 2026-01-06.

Conditions:
Cardiovascular phenotype. Identifiers: MedGen CN230736.
Glycogen storage disease, type II (IOPD). Also called: Deficiency of alpha-glucosidase; Deficiency of lysosomal alpha-glucosidase; Glycogen storage disease type 2; Acid maltase deficiency disease; Aglucosidase alfa; CARDIOMEGALIA GLYCOGENICA DIFFUSA. Identifiers: Orphanet 365, MedGen C0017921, MONDO:0009290, OMIM 232300.

Allele frequency attached by ClinVar (database versions not stated): TOPMed below 0.00001; ExAC 0.00001; gnomAD 0.00001; gnomAD exomes 0.00001 and 0.00002.
gnomAD v4.1: 23 of 1,596,284 alleles (0.0014%); highest among the groups gnomAD compares: Non-Finnish European, 0.0019%; no homozygotes.

Submissions (4):

Labcorp Genetics (formerly Invitae), Labcorp
Classification: Likely benign for Glycogen storage disease, type II. Last evaluated: 2026-01-06. Review status: criteria provided, single submitter. Criteria: Invitae Variant Classification Sherloc (09022015). Collection method: clinical testing. Allele origin: germline.

CeGaT Center for Human Genetics Tuebingen
Classification: Likely benign. Last evaluated: 2024-05-01. Review status: criteria provided, single submitter. Criteria: CeGaT Center For Human Genetics Tuebingen Variant Classification Criteria Version 2. Collection method: clinical testing. Allele origin: germline. Affected: yes. Observed: 3 variant alleles.
Comment: GAA: BP4, BP7

Blueprint Genetics
Classification: Likely benign. Last evaluated: 2024-01-22. Review status: criteria provided, single submitter. Criteria: ACMG Guidelines, 2015. Collection method: clinical testing. Allele origin: germline.

Ambry Genetics
Classification: Likely benign for Cardiovascular phenotype. Last evaluated: 2022-10-02. Review status: criteria provided, single submitter. Criteria: Ambry Variant Classification Scheme 2023. Collection method: clinical testing. Allele origin: germline.